The following is an entry in ClinVar:

NM_199420.4(POLQ):c.67A>G (p.Ser23Gly)

Genes: POLQ (DNA polymerase theta; minus strand), LOC112872292 (Sharpr-MPRA regulatory region 30; plus strand). Cytogenetic location: 3q13.33.
Variant type: single nucleotide variant.
Coding change: c.67A>G on transcript NM_199420.4 (MANE Select); coding-DNA position 67, A replaced by G.
Protein change: p.Ser23Gly; replaces serine 23 with glycine.
Molecular consequence: missense variant.
Genome position (GRCh38, 1-based): chr3:121,545,811, T>C on the plus strand (A>G on the coding strand, the complement: POLQ is on the minus strand). VCF-style: chr3-121545811-T-C. GRCh37 (hg19) VCF-style: chr3-121264658-T-C.
Other names: short protein forms S23G.
Identifiers: ClinVar variation 1755500 (VCV001755500.3), dbSNP rs1361614686, ClinGen allele CA354097547.
Genomic context (GRCh38, chr3:121,545,811, plus strand): 5'-GCGGCGGGCTCAGCACGGACCCGGAGAGGAACTGGGGGCTGGCACTGCTGTCACCGCCGC[T>C]TCCCGAGAACGAATCTGAGCCTGATTCTGAACGCCGCCGTTTCCCACTCCGACGCAGAAG-3'
Protein context (NP_955452.3, residues 13-33): SESGSDSFSG[Ser23Gly]GGDSSASPQF

ClinVar aggregate classification (germline): Uncertain significance (1 of 4 stars; one submission).

Allele frequency attached by ClinVar (database versions not stated): gnomAD 0.00001; gnomAD exomes 0.00001; TOPMed 0.00001.
gnomAD v4.1: 16 of 1,613,446 alleles (0.00099%); highest among the groups gnomAD compares: Non-Finnish European, 0.0014%; no homozygotes.

Submission:

Ambry Genetics
Classification: Uncertain significance. Last evaluated: 2024-06-30. Review status: criteria provided, single submitter. Criteria: Ambry Variant Classification Scheme 2023. Collection method: clinical testing. Allele origin: germline.
Comment: The p.S23G variant (also known as c.67A>G), located in coding exon 1 of the POLQ gene, results from an A to G substitution at nucleotide position 67. The serine at codon 23 is replaced by glycine, an amino acid with similar properties. This amino acid position is conserved. In addition, this alteration is predicted to be tolerated by in silico analysis. Since supporting evidence is limited at this time, the clinical significance of this alteration remains unclear.